The following is an entry in ClinVar:

NM_020937.4(FANCM):c.3985del (p.Ser1329fs)

Gene: FANCM (FA complementation group M; plus strand). Cytogenetic location: 14q21.2.
Variant type: Deletion.
Coding change: c.3985del on transcript NM_020937.4 (MANE Select); coding-DNA position 3985, one base deleted (T; older notation c.3985delT).
Protein change: p.Ser1329fs; shifts the reading frame from serine 1329.
Molecular consequence: frameshift variant.
Genome position (GRCh38, 1-based): chr14:45,176,739, T deleted; the last of 4 consecutive T bases (chr14:45,176,736-45,176,739); deleting any one gives the same sequence. VCF-style (leftmost placement, unchanged base first): chr14-45176735-GT-G. GRCh37 (hg19) VCF-style: chr14-45645938-GT-G.
Other names: c.3907del, p.Ser1303fs (NM_001308133.2); short protein forms S1329fs, S1303fs.
Identifiers: ClinVar variation 2855038 (VCV002855038.3), dbSNP rs779792989, ClinGen allele CA7169607.

ClinVar aggregate classification (germline): Pathogenic (1 of 4 stars; one submission).

Conditions:
Fanconi anemia (FA). Also called: Fanconi's anemia. Identifiers: Orphanet 84, MedGen C0015625, MeSH D005199, MONDO:0019391.

Submission:

Labcorp Genetics (formerly Invitae), Labcorp
Classification: Pathogenic for Fanconi anemia. Last evaluated: 2025-04-17. Review status: criteria provided, single submitter. Criteria: Invitae Variant Classification Sherloc (09022015). Collection method: clinical testing. Allele origin: germline.
Comment: This sequence change creates a premature translational stop signal (p.Ser1329Leufs*9) in the FANCM gene. It is expected to result in an absent or disrupted protein product. Loss-of-function variants in FANCM are known to be pathogenic (PMID: 29895858, 30075111). This variant is present in population databases (rs779792989, gnomAD 0.008%). This premature translational stop signal has been observed in individual(s) with breast cancer (PMID: 32427313). ClinVar contains an entry for this variant (Variation ID: 2855038). For these reasons, this variant has been classified as Pathogenic.

Literature cited by the submitters: PubMed 29895858; PubMed 30075111; PubMed 32427313.